The following is an entry in ClinVar:

NM_199420.4(POLQ):c.518G>T (p.Gly173Val)

Gene: POLQ (DNA polymerase theta; minus strand). Cytogenetic location: 3q13.33.
Variant type: single nucleotide variant.
Coding change: c.518G>T on transcript NM_199420.4 (MANE Select); coding-DNA position 518, G replaced by T.
Protein change: p.Gly173Val; replaces glycine 173 with valine.
Molecular consequence: missense variant.
Genome position (GRCh38, 1-based): chr3:121,539,546, C>A on the plus strand (G>T on the coding strand, the complement: POLQ is on the minus strand). VCF-style: chr3-121539546-C-A. GRCh37 (hg19) VCF-style: chr3-121258393-C-A.
Other names: short protein forms G173V.
Identifiers: ClinVar variation 1745907 (VCV001745907.2), dbSNP rs2546824600, ClinGen allele CA354091302.

ClinVar aggregate classification (germline): Uncertain significance (1 of 4 stars; one submission).

Submission:

Ambry Genetics
Classification: Uncertain significance. Last evaluated: 2022-04-07. Review status: criteria provided, single submitter. Criteria: Ambry Variant Classification Scheme 2023. Collection method: clinical testing. Allele origin: germline.
Comment: The p.G173V variant (also known as c.518G>T), located in coding exon 4 of the POLQ gene, results from a G to T substitution at nucleotide position 518. The glycine at codon 173 is replaced by valine, an amino acid with dissimilar properties. This amino acid position is conserved. In addition, this alteration is predicted to be deleterious by in silico analysis. Since supporting evidence is limited at this time, the clinical significance of this alteration remains unclear.